The following is an entry in ClinVar:

NM_198123.2(CSMD3):c.2980_2986del (p.Asn994fs)

Gene: CSMD3 (CUB and Sushi multiple domains 3; minus strand). Cytogenetic location: 8q23.3.
Variant type: Deletion.
Coding change: c.2980_2986del on transcript NM_198123.2 (MANE Select); coding-DNA positions 2980 to 2986, 7 bases deleted (AATGGTT; older notation c.2980_2986delAATGGTT).
Protein change: p.Asn994fs; shifts the reading frame from asparagine 994.
Molecular consequence: frameshift variant.
Genome position (GRCh38, 1-based): chr8:112,656,172-112,656,178, AACCATT deleted on the plus strand (AATGGTT on the coding strand, the reverse complement: CSMD3 is on the minus strand); deleting any 7 consecutive bases within chr8:112,656,172-112,656,179 gives the same sequence; the c. name uses the placement nearest the transcript's 3' end. VCF-style (leftmost placement, unchanged base first): chr8-112656171-AAACCATT-A. GRCh37 (hg19) VCF-style: chr8-113668400-AAACCATT-A.
Other names: c.2590_2596del, p.Asn864fs (NM_001363185.1); c.2668_2674del, p.Asn890fs (NM_052900.3); c.2860_2866del, p.Asn954fs (NM_198124.2); short protein forms N864fs, N890fs, N954fs, N994fs.
Identifiers: ClinVar variation 3774549 (VCV003774549.1).
Genomic context (GRCh38, chr8:112,656,171, plus strand): 5'-GGCAAACAGAATGAGGAAATCAAAAAGTTTTATCATTACTTACTTTCATAATGAATCTTG[AAACCATT>A]ATTGGAACGACTGTTGTCTGTTGTAAATAGAAGGTATATAAAATTACTGCTACTAAATAG-3'

ClinVar aggregate classification (germline): Uncertain significance (1 of 4 stars; one submission).

Conditions:
Familial meningioma. Also called: Meningioma, familial, susceptibility to. Identifiers: Orphanet 263662, MedGen C3551915, MONDO:0011789, OMIM 607174.

Submission:

Dr. Guy Rouleau's laboratory, McGill University
Classification: Uncertain significance for Familial meningioma. Last evaluated: 2025-03-22. Review status: criteria provided, single submitter. Criteria: ACMG Guidelines, 2015. Collection method: research. Allele origin: germline. Affected: yes.
Comment: This frameshift variant at the position p.Asn994fs creates premature translational stop signal CSMD3 gene. It is expected to result in an absent or disrupted protein product. This variant has not been reported in population databases (gnomAD v4.1.1 no frequency). Based on the available evidence, the clinical significance of this variant is unknown.